The following is an entry in ClinVar:

NM_004341.5(CAD):c.4423C>T (p.Arg1475Trp)

Gene: CAD (carbamoyl-phosphate synthetase 2, aspartate transcarbamylase, and dihydroorotase; plus strand). Cytogenetic location: 2p23.3.
Variant type: single nucleotide variant.
Coding change: c.4423C>T on transcript NM_004341.5 (MANE Select); coding-DNA position 4423, C replaced by T.
Protein change: p.Arg1475Trp; replaces arginine 1475 with tryptophan.
Molecular consequence: missense variant.
Genome position (GRCh38, 1-based): chr2:27,237,405, C>T. VCF-style: chr2-27237405-C-T. GRCh37 (hg19) VCF-style: chr2-27460273-C-T.
Other names: c.4423C>T (NM_004341.3); c.4234C>T, p.Arg1412Trp (NM_001306079.2); short protein forms R1412W, R1475W.
Identifiers: ClinVar variation 1351509 (VCV001351509.8), dbSNP rs552118471, ClinGen allele CA1573526.

ClinVar aggregate classification (germline): Uncertain significance. Review status: criteria provided, multiple submitters, no conflicts (2 of 4 stars). 3 submissions from 3 submitters: Uncertain significance (3). Last evaluated 2025-04-09.

Conditions:
Inborn genetic diseases. Identifiers: MedGen C0950123, MeSH D030342.

Allele frequency attached by ClinVar (database versions not stated): gnomAD 0.00001 and 0.00002; ExAC 0.00002; gnomAD exomes 0.00002 and 0.00003; TOPMed 0.00002; 1000 Genomes Project 30x 0.00016; 1000 Genomes Project 0.00020.
gnomAD v4.1: 26 of 1,614,116 alleles (0.0016%); highest among the groups gnomAD compares: Admixed American, 0.013%; no homozygotes.

Submissions (3):

Ambry Genetics
Classification: Uncertain significance for Inborn genetic diseases. Last evaluated: 2025-04-09. Review status: criteria provided, single submitter. Criteria: Ambry Variant Classification Scheme 2023. Collection method: clinical testing. Allele origin: germline.

Labcorp Genetics (formerly Invitae), Labcorp
Classification: Uncertain significance. Last evaluated: 2025-03-03. Review status: criteria provided, single submitter. Criteria: Invitae Variant Classification Sherloc (09022015). Collection method: clinical testing. Allele origin: germline.
Comment: This sequence change replaces arginine, which is basic and polar, with tryptophan, which is neutral and slightly polar, at codon 1475 of the CAD protein (p.Arg1475Trp). This variant is present in population databases (rs552118471, gnomAD 0.02%). This variant has not been reported in the literature in individuals affected with CAD-related conditions. ClinVar contains an entry for this variant (Variation ID: 1351509). An algorithm developed to predict the effect of missense changes on protein structure and function (PolyPhen-2) suggests that this variant is likely to be disruptive. In summary, the available evidence is currently insufficient to determine the role of this variant in disease. Therefore, it has been classified as a Variant of Uncertain Significance.

Blueprint Genetics
Classification: Uncertain significance. Last evaluated: 2022-11-29. Review status: criteria provided, single submitter. Criteria: ACMG Guidelines, 2015. Collection method: clinical testing. Allele origin: germline.